The following is an entry in ClinVar:

ClinVar aggregate classification (germline): Benign. Review status: criteria provided, multiple submitters, no conflicts (2 of 4 stars). 6 submissions from 6 submitters: Benign (6). Last evaluated 2026-02-04.

Conditions:
Knobloch syndrome (KNO). Also called: RETINAL DETACHMENT AND OCCIPITAL ENCEPHALOCELE; Myopia retinal detachment encephalocele. Identifiers: Orphanet 1571, MedGen C1849409, MONDO:0800166.

Allele frequency attached by ClinVar (database versions not stated): ESP Exome Variant Server 0.16551; gnomAD 0.17750; TOPMed 0.18607; 1000 Genomes Project 30x 0.22705; 1000 Genomes Project 0.22784.
gnomAD v4.1: 195,527 of 1,613,426 alleles (12%); highest among the groups gnomAD compares: African/African-American, 34%; 15,414 homozygotes.

Submissions (6):

Labcorp Genetics (formerly Invitae), Labcorp
Classification: Benign. Last evaluated: 2026-02-04. Review status: criteria provided, single submitter. Criteria: Invitae Variant Classification Sherloc (09022015). Collection method: clinical testing. Allele origin: germline.

Blueprint Genetics
Classification: Benign. Last evaluated: 2024-11-28. Review status: criteria provided, single submitter. Criteria: ACMG Guidelines, 2015. Collection method: clinical testing. Allele origin: germline.

GeneDx
Classification: Benign. Last evaluated: 2021-05-04. Review status: criteria provided, single submitter. Criteria: GeneDx Variant Classification Process June 2021. Collection method: clinical testing. Allele origin: germline. Affected: yes.

Illumina Laboratory Services, Illumina
Classification: Benign for Knobloch syndrome 1. Last evaluated: 2018-01-13. Review status: criteria provided, single submitter. Criteria: ICSL Variant Classification Criteria 13 December 2019. Collection method: clinical testing. Allele origin: germline.
Comment: This variant was observed in the ICSL laboratory as part of a predisposition screen in an ostensibly healthy population. It had not been previously curated by ICSL or reported in the Human Gene Mutation Database (HGMD: prior to June 1st, 2018), and was therefore a candidate for classification through an automated scoring system. Utilizing variant allele frequency, disease prevalence and penetrance estimates, and inheritance mode, an automated score was calculated to assess if this variant is too frequent to cause the disease. Based on the score and internal cut-off values, a variant classified as benign is not then subjected to further curation. The score for this variant resulted in a classification of benign for this disease.

Breakthrough Genomics
Classification: Benign. Review status: criteria provided, single submitter. Criteria: ACMG Guidelines, 2015. Collection method: not provided. Allele origin: germline. Inheritance: Autosomal recessive inheritance. Affected: yes.

PreventionGenetics, part of Exact Sciences
Classification: Benign. Review status: criteria provided, single submitter. Criteria: ACMG Guidelines, 2015. Collection method: clinical testing. Allele origin: germline.

NM_001379500.1(COL18A1):c.846G>T (p.Thr282=)

Gene: COL18A1 (collagen type XVIII alpha 1 chain; plus strand). Cytogenetic location: 21q22.3.
Variant type: single nucleotide variant.
Coding change: c.846G>T on transcript NM_001379500.1 (MANE Select); coding-DNA position 846, G replaced by T.
Protein change: p.Thr282=; no amino-acid change (threonine 282 retained).
Molecular consequence: synonymous variant.
Genome position (GRCh38, 1-based): chr21:45,476,398, G>T. VCF-style: chr21-45476398-G-T. GRCh37 (hg19) VCF-style: chr21-46896312-G-T.
Other names: NM_130445.2:c.846G>T; c.1386G>T, p.Thr462= (NM_030582.4); c.2091G>T, p.Thr697= (NM_130444.3).
Identifiers: ClinVar variation 261887 (VCV000261887.17), dbSNP rs2230688, ClinGen allele CA10065963.